The following is an entry in ClinVar:

ClinVar aggregate classification (germline): Benign/Likely benign. Review status: criteria provided, multiple submitters, no conflicts (2 of 4 stars). 3 submissions from 3 submitters: Benign (1); Likely benign (2). Last evaluated 2025-12-20.

Conditions:
POLD1-related polyposis and colorectal cancer syndrome (CRCS10). Also called: Colorectal cancer, susceptibility to, 10; Colorectal cancer 10; COLORECTAL CANCER, SUSCEPTIBILITY TO, ON CHROMOSOME 19q. Identifiers: Orphanet 220460, MedGen C2675481, MONDO:0012953, OMIM 612591.

Allele frequency attached by ClinVar (database versions not stated): ExAC 0.00004.

Submissions (3):

Labcorp Genetics (formerly Invitae), Labcorp
Classification: Likely benign for POLD1-related polyposis and colorectal cancer syndrome. Last evaluated: 2025-12-20. Review status: criteria provided, single submitter. Criteria: Invitae Variant Classification Sherloc (09022015). Collection method: clinical testing. Allele origin: germline.

Quest Diagnostics Nichols Institute San Juan Capistrano
Classification: Benign. Last evaluated: 2025-07-01. Review status: criteria provided, single submitter. Criteria: Quest Diagnostics criteria. Collection method: clinical testing. Allele origin: unknown.

Myriad Genetics, Inc.
Classification: Likely benign for POLD1-related polyposis and colorectal cancer syndrome. Last evaluated: 2025-02-06. Review status: criteria provided, single submitter. Criteria: Myriad Autosomal Dominant, Autosomal Recessive and X-Linked Classification Criteria (2023). Collection method: clinical testing. Allele origin: unknown.
Comment: This variant is considered likely benign. This variant is intronic and is not expected to impact mRNA splicing.

NM_002691.4(POLD1):c.1383+9G>A

Gene: POLD1 (DNA polymerase delta 1, catalytic subunit; plus strand). Cytogenetic location: 19q13.33.
Variant type: single nucleotide variant.
Coding change: c.1383+9G>A on transcript NM_002691.4 (MANE Select); 9 bases into the intron after coding-DNA position 1383, G replaced by A.
Molecular consequence: intron variant.
Genome position (GRCh38, 1-based): chr19:50,406,331, G>A. VCF-style: chr19-50406331-G-A. GRCh37 (hg19) VCF-style: chr19-50909588-G-A.
Other names: c.1383+9G>A (LRG_785t1, NM_001256849.1, NM_001308632.1 and 1 more transcripts).
Identifiers: ClinVar variation 414730 (VCV000414730.13), dbSNP rs767098823, ClinGen allele CA9596116.